The following is an entry in ClinVar:

NM_004477.3(FRG1):c.732T>C (p.Leu244=)

Gene: FRG1 (FSHD region gene 1; plus strand). Cytogenetic location: 4q35.2.
Variant type: single nucleotide variant.
Coding change: c.732T>C on transcript NM_004477.3 (MANE Select); coding-DNA position 732, T replaced by C.
Protein change: p.Leu244=; no amino-acid change (leucine 244 retained).
Molecular consequence: synonymous variant.
Genome position (GRCh38, 1-based): chr4:189,961,924, T>C. VCF-style: chr4-189961924-T-C. GRCh37 (hg19) VCF-style: chr4-190883079-T-C.
Identifiers: ClinVar variation 3031374 (VCV003031374.2), dbSNP rs753051337, ClinGen allele CA112729706.

ClinVar aggregate classification (germline): Likely benign (0 of 4 stars; one submission).

Conditions:
FRG1-related disorder. Also called: FRG1-related condition.

Allele frequency attached by ClinVar (database versions not stated): gnomAD 0.00004.
gnomAD v4.1: 70 of 1,529,108 alleles (0.0046%); highest among the groups gnomAD compares: South Asian, 0.082%; no homozygotes.

Submission:

PreventionGenetics, part of Exact Sciences
Classification: Likely benign for FRG1-related condition. Last evaluated: 2021-12-24. Review status: no assertion criteria provided. Collection method: clinical testing. Allele origin: germline.
Comment: This variant is classified as likely benign based on ACMG/AMP sequence variant interpretation guidelines (Richards et al. 2015 PMID: 25741868, with internal and published modifications).